The following is an entry in ClinVar:

NM_004360.5(CDH1):c.1248G>T (p.Leu416Phe)

Gene: CDH1 (cadherin 1; plus strand). Cytogenetic location: 16q22.1.
Variant type: single nucleotide variant.
Coding change: c.1248G>T on transcript NM_004360.5 (MANE Select); coding-DNA position 1248, G replaced by T.
Protein change: p.Leu416Phe; replaces leucine 416 with phenylalanine.
Molecular consequence: missense variant. On other transcripts: 5 prime UTR variant (2), intron variant (1).
Genome position (GRCh38, 1-based): chr16:68,813,423, G>T. VCF-style: chr16-68813423-G-T. GRCh37 (hg19) VCF-style: chr16-68847326-G-T.
Other names: c.-368G>T (NM_001317185.2); c.-572G>T (NM_001317186.2); c.1137+1160G>T (NM_001317184.2); short protein forms L416F.
Identifiers: ClinVar variation 1720053 (VCV001720053.6), dbSNP rs772622537, ClinGen allele CA396461566.

ClinVar aggregate classification (germline): Uncertain significance (1 of 4 stars; one submission).

Conditions:
Hereditary diffuse gastric adenocarcinoma (HDGC). Also called: DIFFUSE GASTRIC AND LOBULAR BREAST CANCER SYNDROME. Identifiers: Orphanet 26106, MedGen C1708349, MONDO:0007648, OMIM 137215.

Submission:

Labcorp Genetics (formerly Invitae), Labcorp
Classification: Uncertain significance for Hereditary diffuse gastric adenocarcinoma. Last evaluated: 2022-09-22. Review status: criteria provided, single submitter. Criteria: Invitae Variant Classification Sherloc (09022015). Collection method: clinical testing. Allele origin: germline.
Comment: This sequence change replaces leucine, which is neutral and non-polar, with phenylalanine, which is neutral and non-polar, at codon 416 of the CDH1 protein (p.Leu416Phe). This variant is not present in population databases (gnomAD no frequency). This variant has not been reported in the literature in individuals affected with CDH1-related conditions. Algorithms developed to predict the effect of missense changes on protein structure and function are either unavailable or do not agree on the potential impact of this missense change (SIFT: "Tolerated"; PolyPhen-2: "Possibly Damaging"; Align-GVGD: "Class C0"). In summary, the available evidence is currently insufficient to determine the role of this variant in disease. Therefore, it has been classified as a Variant of Uncertain Significance.